The following is an entry in ClinVar:

NM_000059.4(BRCA2):c.7193C>G (p.Thr2398Ser)

Gene: BRCA2 (BRCA2 DNA repair associated; plus strand). Cytogenetic location: 13q13.1.
Variant type: single nucleotide variant.
Coding change: c.7193C>G on transcript NM_000059.4 (MANE Select); coding-DNA position 7193, C replaced by G.
Protein change: p.Thr2398Ser; replaces threonine 2398 with serine.
Molecular consequence: missense variant.
Genome position (GRCh38, 1-based): chr13:32,355,046, C>G. VCF-style: chr13-32355046-C-G. GRCh37 (hg19) VCF-style: chr13-32929183-C-G.
Other names: short protein forms T2398S.
Identifiers: ClinVar variation 52283 (VCV000052283.15), dbSNP rs80358947, ClinGen allele CA024947.

ClinVar aggregate classification (germline): Uncertain significance. Review status: criteria provided, multiple submitters, no conflicts (2 of 4 stars). 5 submissions from 5 submitters: Uncertain significance (4). 1 of the submissions does not count toward it. Last evaluated 2024-01-23.

Conditions:
Hereditary breast ovarian cancer syndrome. Also called: Hereditary breast and ovarian cancer syndrome; Hereditary breast and ovarian cancer; Hereditary breast and ovarian cancer syndrome (HBOC); Breast and ovarian cancer; Hereditary breast and/or ovarian cancer syndrome; BRCA1- and BRCA2-Associated Hereditary Breast and Ovarian Cancer. Identifiers: Orphanet 145, MedGen C0677776, MeSH D061325, MONDO:0003582. Disease mechanism: loss of function.
Hereditary cancer-predisposing syndrome. Also called: Neoplastic Syndromes, Hereditary; Tumor predisposition; Hereditary neoplastic syndrome; Hereditary Cancer Syndrome. Identifiers: Orphanet 140162, MedGen C0027672, MeSH D009386, MONDO:0015356.
Breast-ovarian cancer, familial, susceptibility to, 2 (BROVCA2). Also called: BRCA2 Hereditary Breast and Ovarian Cancer. Identifiers: Orphanet 145, MedGen C2675520, MONDO:0012933, OMIM 612555. Disease mechanism: loss of function.

Allele frequency attached by ClinVar (database versions not stated): gnomAD exomes below 0.00001.
gnomAD v4.1: 2 of 1,614,056 alleles (0.00012%); highest among the groups gnomAD compares: Non-Finnish European, 0.00017%; no homozygotes.

Submissions (5):

Ambry Genetics
Classification: Uncertain significance for Hereditary cancer-predisposing syndrome. Last evaluated: 2024-01-23. Review status: criteria provided, single submitter. Criteria: Ambry Variant Classification Scheme 2023. Collection method: clinical testing. Allele origin: germline.
Comment: The p.T2398S variant (also known as c.7193C>G), located in coding exon 13 of the BRCA2 gene, results from a C to G substitution at nucleotide position 7193. The threonine at codon 2398 is replaced by serine, an amino acid with similar properties. This amino acid position is not well conserved in available vertebrate species. In addition, this alteration is predicted to be tolerated by in silico analysis. Since supporting evidence is limited at this time, the clinical significance of this alteration remains unclear.

Labcorp Genetics (formerly Invitae), Labcorp
Classification: Uncertain significance for Hereditary breast ovarian cancer syndrome. Last evaluated: 2023-07-06. Review status: criteria provided, single submitter. Criteria: Invitae Variant Classification Sherloc (09022015). Collection method: clinical testing. Allele origin: germline.
Comment: This sequence change replaces threonine, which is neutral and polar, with serine, which is neutral and polar, at codon 2398 of the BRCA2 protein (p.Thr2398Ser). This variant is not present in population databases (gnomAD no frequency). This variant has not been reported in the literature in individuals affected with BRCA2-related conditions. ClinVar contains an entry for this variant (Variation ID: 52283). Advanced modeling of protein sequence and biophysical properties (such as structural, functional, and spatial information, amino acid conservation, physicochemical variation, residue mobility, and thermodynamic stability) performed at Invitae indicates that this missense variant is not expected to disrupt BRCA2 protein function. In summary, the available evidence is currently insufficient to determine the role of this variant in disease. Therefore, it has been classified as a Variant of Uncertain Significance.

GeneDx
Classification: Uncertain significance. Last evaluated: 2020-01-06. Review status: criteria provided, single submitter. Criteria: GeneDx Variant Classification Process June 2021. Collection method: clinical testing. Allele origin: germline. Affected: yes.
Comment: Not observed in large population cohorts (Lek et al., 2016); In silico analysis, which includes protein predictors and evolutionary conservation, supports that this variant does not alter protein structure/function; This variant is associated with the following publications: (PMID: 27882345, 31191615)

Color Diagnostics, LLC DBA Color Health
Classification: Uncertain significance for Hereditary cancer-predisposing syndrome. Last evaluated: 2019-06-27. Review status: criteria provided, single submitter. Criteria: ACMG Guidelines, 2015. Collection method: clinical testing. Allele origin: germline.

Breast Cancer Information Core (BIC) (BRCA2)
Classification: Uncertain significance for Breast-ovarian cancer, familial 2. Review status: no assertion criteria provided. Collection method: clinical testing. Allele origin: germline. Affected: yes. Observed: 1 variant allele. Not counted in ClinVar's aggregate classification.

Literature cited by the submitters: PubMed 30630528 (cited by Ambry Genetics).